The following is an entry in ClinVar:

NM_005670.4(EPM2A):c.935G>A (p.Arg312Gln)

Gene: EPM2A (EPM2A glucan phosphatase, laforin; minus strand). Cytogenetic location: 6q24.3.
Variant type: single nucleotide variant.
Coding change: c.935G>A on transcript NM_005670.4 (MANE Select); coding-DNA position 935, G replaced by A.
Protein change: p.Arg312Gln; replaces arginine 312 with glutamine.
Molecular consequence: missense variant. On other transcripts: 3 prime UTR variant (1), non-coding transcript variant (1), intron variant (1).
Genome position (GRCh38, 1-based): chr6:145,627,477, C>T on the plus strand (G>A on the coding strand, the complement: EPM2A is on the minus strand). VCF-style: chr6-145627477-C-T. GRCh37 (hg19) VCF-style: chr6-145948613-C-T.
Other names: c.*18G>A (NM_001360057.2); c.521G>A, p.Arg174Gln (NM_001360064.2, NM_001360071.2, NM_001368131.1); c.473G>A, p.Arg158Gln (NM_001368129.2, NM_001368132.1); c.924+11G>A (NM_001018041.2); short protein forms R312Q, R158Q, R174Q.
Identifiers: ClinVar variation 1519801 (VCV001519801.8), dbSNP rs762852066, ClinGen allele CA4035040.

ClinVar aggregate classification (germline): Uncertain significance (1 of 4 stars; one submission).

Conditions:
Progressive myoclonic epilepsy. Also called: Myoclonic Epilepsies, Progressive; Familial progressive myoclonic epilepsy; Myoclonus epilepsy; Progressive myoclonus epilepsy. Identifiers: Orphanet 308, Orphanet 98261, MedGen C0751778, MONDO:0020074.

Allele frequency attached by ClinVar (database versions not stated): TOPMed below 0.00001; ExAC 0.00001; gnomAD 0.00001; gnomAD exomes 0.00001 and 0.00002.
gnomAD v4.1: 13 of 1,614,112 alleles (0.00081%); highest among the groups gnomAD compares: East Asian, 0.022%; no homozygotes.

Submission:

Labcorp Genetics (formerly Invitae), Labcorp
Classification: Uncertain significance for Progressive myoclonic epilepsy. Last evaluated: 2022-05-22. Review status: criteria provided, single submitter. Criteria: Invitae Variant Classification Sherloc (09022015). Collection method: clinical testing. Allele origin: germline.
Comment: In summary, the available evidence is currently insufficient to determine the role of this variant in disease. Therefore, it has been classified as a Variant of Uncertain Significance. This sequence change replaces arginine, which is basic and polar, with glutamine, which is neutral and polar, at codon 312 of the EPM2A protein (p.Arg312Gln). This variant is present in population databases (rs762852066, gnomAD 0.003%). This variant has not been reported in the literature in individuals affected with EPM2A-related conditions. Algorithms developed to predict the effect of missense changes on protein structure and function output the following: SIFT: "Tolerated"; PolyPhen-2: "Benign"; Align-GVGD: "Class C0". The glutamine amino acid residue is found in multiple mammalian species, which suggests that this missense change does not adversely affect protein function.